The following is an entry in ClinVar:

ClinVar aggregate classification (germline): Conflicting classifications of pathogenicity. Review status: criteria provided, conflicting classifications (1 of 4 stars). 2 submissions from 2 submitters: Uncertain significance (1); Likely benign (1). Last evaluated 2024-03-06.

Conditions:
Cardiovascular phenotype. Identifiers: MedGen CN230736.
Cardiomyopathy (CMYO). Also called: Cardiomyopathies. Identifiers: Orphanet 167848, MedGen C0878544, MONDO:0004994, HP:0001638. Inheritance: Various modes of inheritance.

Allele frequency attached by ClinVar (database versions not stated): gnomAD exomes below 0.00001; TOPMed 0.00001.
gnomAD v4.1: 5 of 1,613,408 alleles (0.00031%); highest among the groups gnomAD compares: East Asian, 0.0067%; no homozygotes.

Submissions (2):

Color Diagnostics, LLC DBA Color Health
Classification: Uncertain significance for Cardiomyopathy. Last evaluated: 2024-03-06. Review status: criteria provided, single submitter. Criteria: ACMG Guidelines, 2015. Collection method: clinical testing. Allele origin: germline.
Comment: This missense variant replaces serine with cysteine at codon 385 of the PKP2 protein. Computational prediction tool suggests that this variant may not impact protein structure and function (internally defined REVEL score threshold <=0.5, PMID: 27666373). Splice site prediction tools suggest that this variant may not impact RNA splicing. To our knowledge, functional studies have not been performed for this variant. This variant has not been reported in individuals affected with cardiovascular disorders in the literature. This variant has not been identified in the general population by the Genome Aggregation Database (gnomAD). The available evidence is insufficient to determine the role of this variant in disease conclusively. Therefore, this variant is classified as a Variant of Uncertain Significance.

Ambry Genetics
Classification: Likely benign for Cardiovascular phenotype. Last evaluated: 2023-12-04. Review status: criteria provided, single submitter. Criteria: Ambry Variant Classification Scheme 2023. Collection method: clinical testing. Allele origin: germline.

NM_001005242.3(PKP2):c.1154C>G (p.Ser385Cys)

Gene: PKP2 (plakophilin 2; minus strand). Cytogenetic location: 12p11.21.
Variant type: single nucleotide variant.
Coding change: c.1154C>G on transcript NM_001005242.3 (MANE Select); coding-DNA position 1154, C replaced by G.
Protein change: p.Ser385Cys; replaces serine 385 with cysteine.
Molecular consequence: missense variant.
Genome position (GRCh38, 1-based): chr12:32,868,943, G>C on the plus strand (C>G on the coding strand, the complement: PKP2 is on the minus strand). VCF-style: chr12-32868943-G-C. GRCh37 (hg19) VCF-style: chr12-33021877-G-C.
Other names: c.1154C>G, p.Ser385Cys (NM_004572.4); short protein forms S385C.
Identifiers: ClinVar variation 927090 (VCV000927090.5), dbSNP rs1956873230, ClinGen allele CA384359015.